The following is an entry in ClinVar:

ClinVar aggregate classification (germline): Uncertain significance (1 of 4 stars; one submission).

Conditions:
Inborn genetic diseases. Identifiers: MedGen C0950123, MeSH D030342.

Allele frequency attached by ClinVar (database versions not stated): TOPMed below 0.00001.

Submission:

Ambry Genetics
Classification: Uncertain significance for Inborn genetic diseases. Last evaluated: 2025-08-19. Review status: criteria provided, single submitter. Criteria: Ambry Variant Classification Scheme 2023. Collection method: clinical testing. Allele origin: germline.
Comment: The p.F534I variant (also known as c.1600T>A), located in coding exon 13 of the BUB1B gene, results from a T to A substitution at nucleotide position 1600. The phenylalanine at codon 534 is replaced by isoleucine, an amino acid with highly similar properties. This amino acid position is conserved. In addition, this alteration is predicted to be tolerated by in silico analysis. Since supporting evidence is limited at this time, the clinical significance of this alteration remains unclear.

NM_001211.6(BUB1B):c.1600T>A (p.Phe534Ile)

Gene: BUB1B (BUB1 mitotic checkpoint serine/threonine kinase B; plus strand). Cytogenetic location: 15q15.1.
Variant type: single nucleotide variant.
Coding change: c.1600T>A on transcript NM_001211.6 (MANE Select); coding-DNA position 1600, T replaced by A.
Protein change: p.Phe534Ile; replaces phenylalanine 534 with isoleucine.
Molecular consequence: missense variant.
Genome position (GRCh38, 1-based): chr15:40,202,437, T>A. VCF-style: chr15-40202437-T-A. GRCh37 (hg19) VCF-style: chr15-40494638-T-A.
Other names: short protein forms F534I.
Identifiers: ClinVar variation 1776176 (VCV001776176.5), dbSNP rs2037583108, ClinGen allele CA391691239.
Genomic context (GRCh38, chr15:40,202,437, plus strand): 5'-AGTATGTATCTAGTCTCTCTTTCTCTAGGTCCCAGTGTACCTTTCTCCATTTTTGATGAG[T>A]TTCTTCTTTCAGAAAAGAAGAATAAAAGGTACGTTGTTTTTTTGTTTTTTTGGTTTTTTT-3'
Protein context (NP_001202.5, residues 524-544): PSVPFSIFDE[Phe534Ile]LLSEKKNKSP